The following is an entry in ClinVar:

NM_022173.4(TIA1):c.1118A>G (p.Asn373Ser)

Gene: TIA1 (TIA1 cytotoxic granule associated RNA binding protein; minus strand). Cytogenetic location: 2p13.3.
Variant type: single nucleotide variant.
Coding change: c.1118A>G on transcript NM_022173.4 (MANE Select); coding-DNA position 1118, A replaced by G.
Protein change: p.Asn373Ser; replaces asparagine 373 with serine.
Molecular consequence: missense variant. On other transcripts: non-coding transcript variant (17).
Genome position (GRCh38, 1-based): chr2:70,212,762, T>C on the plus strand (A>G on the coding strand, the complement: TIA1 is on the minus strand). VCF-style: chr2-70212762-T-C. GRCh37 (hg19) VCF-style: chr2-70439894-T-C.
Other names: c.1115A>G, p.Asn372Ser (NM_001351508.2); c.1091A>G, p.Asn364Ser (NM_001351509.2); c.1082A>G, p.Asn361Ser (NM_001351510.2); c.1007A>G, p.Asn336Ser (NM_001351511.1); c.980A>G, p.Asn327Ser (NM_001351512.1); c.974A>G, p.Asn325Ser (NM_001351513.1); c.890A>G, p.Asn297Ser (NM_001351514.2); c.815A>G, p.Asn272Ser (NM_001351515.2); and 3 more; short protein forms N232S, N233S, N272S, N297S, N325S, N327S, N336S, N361S.
Identifiers: ClinVar variation 1019780 (VCV001019780.8), dbSNP rs1573120141, ClinGen allele CA347149118.
Genomic context (GRCh38, chr2:70,212,762, plus strand): 5'-GATTCTGGAGTCCTTATTCACTGGGTTTCATACCCTGCCACTCGATACCCAGAAGGCTGA[T>C]TGGGCAACATGCTGCCATTTTGCCCTTGAGGCGGTTGCACTCCATAATTTGGTCCCATCC-3'
Protein context (NP_071505.2, residues 363-383): PQGQNGSMLP[Asn373Ser]QPSGYRVAGY

ClinVar aggregate classification (germline): Uncertain significance (1 of 4 stars; one submission).

Conditions:
Welander distal myopathy (WDM). Also called: MUSCULAR DYSTROPHY, DISTAL, LATE-ONSET, AUTOSOMAL DOMINANT; Gower's muscular dystrophy; Welander distal myopathy, Swedish type; Distal myopathy, Swedish type. Identifiers: Orphanet 603, MedGen C0221054, MONDO:0011466, OMIM 604454.

Allele frequency attached by ClinVar (database versions not stated): gnomAD exomes 0.00001.

Submission:

Labcorp Genetics (formerly Invitae), Labcorp
Classification: Uncertain significance for Welander distal myopathy. Last evaluated: 2022-07-05. Review status: criteria provided, single submitter. Criteria: Invitae Variant Classification Sherloc (09022015). Collection method: clinical testing. Allele origin: germline.
Comment: This variant is not present in population databases (gnomAD no frequency). This sequence change replaces asparagine, which is neutral and polar, with serine, which is neutral and polar, at codon 373 of the TIA1 protein (p.Asn373Ser). This variant has not been reported in the literature in individuals affected with TIA1-related conditions. In summary, the available evidence is currently insufficient to determine the role of this variant in disease. Therefore, it has been classified as a Variant of Uncertain Significance. Algorithms developed to predict the effect of missense changes on protein structure and function output the following: SIFT: "Tolerated"; PolyPhen-2: "Benign"; Align-GVGD: "Class C0". The serine amino acid residue is found in multiple mammalian species, which suggests that this missense change does not adversely affect protein function. ClinVar contains an entry for this variant (Variation ID: 1019780).